The following is an entry in ClinVar:

NM_002241.5(KCNJ10):c.757C>A (p.Leu253Ile)

Gene: KCNJ10 (potassium inwardly rectifying channel subfamily J member 10; minus strand). Cytogenetic location: 1q23.2.
Variant type: single nucleotide variant.
Coding change: c.757C>A on transcript NM_002241.5 (MANE Select); coding-DNA position 757, C replaced by A.
Protein change: p.Leu253Ile; replaces leucine 253 with isoleucine.
Molecular consequence: missense variant.
Genome position (GRCh38, 1-based): chr1:160,041,776, G>T on the plus strand (C>A on the coding strand, the complement: KCNJ10 is on the minus strand). VCF-style: chr1-160041776-G-T. GRCh37 (hg19) VCF-style: chr1-160011566-G-T.
Other names: short protein forms L253I.
Identifiers: ClinVar variation 2111058 (VCV002111058.4), dbSNP rs2525429703, ClinGen allele CA343225492.

ClinVar aggregate classification (germline): Uncertain significance (1 of 4 stars; one submission).

Conditions:
EAST syndrome (SESAMES). Also called: SEIZURES, SENSORINEURAL DEAFNESS, ATAXIA, IMPAIRED INTELLECTUAL DEVELOPMENT, AND ELECTROLYTE IMBALANCE. Identifiers: Orphanet 199343, MedGen C2748572, MONDO:0013005, OMIM 612780.

Submission:

Labcorp Genetics (formerly Invitae), Labcorp
Classification: Uncertain significance for EAST syndrome. Last evaluated: 2024-07-08. Review status: criteria provided, single submitter. Criteria: Invitae Variant Classification Sherloc (09022015). Collection method: clinical testing. Allele origin: germline.
Comment: This sequence change replaces leucine, which is neutral and non-polar, with isoleucine, which is neutral and non-polar, at codon 253 of the KCNJ10 protein (p.Leu253Ile). This variant is not present in population databases (gnomAD no frequency). This variant has not been reported in the literature in individuals affected with KCNJ10-related conditions. ClinVar contains an entry for this variant (Variation ID: 2111058). Advanced modeling of protein sequence and biophysical properties (such as structural, functional, and spatial information, amino acid conservation, physicochemical variation, residue mobility, and thermodynamic stability) performed at Invitae indicates that this missense variant is not expected to disrupt KCNJ10 protein function with a negative predictive value of 80%. In summary, the available evidence is currently insufficient to determine the role of this variant in disease. Therefore, it has been classified as a Variant of Uncertain Significance.